The following is an entry in ClinVar:

ClinVar aggregate classification (germline): Uncertain significance. Review status: criteria provided, multiple submitters, no conflicts (2 of 4 stars). 2 submissions from 2 submitters: Uncertain significance (2). Last evaluated 2025-04-14.

Allele frequency attached by ClinVar (database versions not stated): gnomAD 0.00004; gnomAD exomes 0.00004 and 0.00010; TOPMed 0.00004; ExAC 0.00007; ESP Exome Variant Server 0.00008.
gnomAD v4.1: 57 of 1,614,128 alleles (0.0035%); highest among the groups gnomAD compares: Admixed American, 0.055%; no homozygotes.

Submissions (2):

Labcorp Genetics (formerly Invitae), Labcorp
Classification: Uncertain significance. Last evaluated: 2025-04-14. Review status: criteria provided, single submitter. Criteria: Invitae Variant Classification Sherloc (09022015). Collection method: clinical testing. Allele origin: germline.
Comment: This sequence change replaces threonine, which is neutral and polar, with methionine, which is neutral and non-polar, at codon 359 of the UPB1 protein (p.Thr359Met). This variant is present in population databases (rs369879221, gnomAD 0.08%). This missense change has been observed in individual(s) with beta-ureidopropionase deficiency (PMID: 22525402). ClinVar contains an entry for this variant (Variation ID: 285348). Invitae Evidence Modeling of protein sequence and biophysical properties (such as structural, functional, and spatial information, amino acid conservation, physicochemical variation, residue mobility, and thermodynamic stability) indicates that this missense variant is expected to disrupt UPB1 protein function with a positive predictive value of 80%. Experimental studies have shown that this missense change affects UPB1 function (PMID: 22525402). In summary, the available evidence is currently insufficient to determine the role of this variant in disease. Therefore, it has been classified as a Variant of Uncertain Significance.

Eurofins Ntd Llc (ga)
Classification: Uncertain significance. Last evaluated: 2015-12-18. Review status: criteria provided, single submitter. Criteria: EGL Classification Definitions 2015. Collection method: clinical testing. Allele origin: germline. Observed: 2 variant alleles, 2 heterozygotes.

Literature cited by the submitters: PubMed 22525402 (cited by Labcorp Genetics (formerly Invitae), Labcorp).

NM_016327.3(UPB1):c.1076C>T (p.Thr359Met)

Gene: UPB1 (beta-ureidopropionase 1; plus strand). Cytogenetic location: 22q11.23.
Variant type: single nucleotide variant.
Coding change: c.1076C>T on transcript NM_016327.3 (MANE Select); coding-DNA position 1076, C replaced by T.
Protein change: p.Thr359Met; replaces threonine 359 with methionine.
Molecular consequence: missense variant.
Genome position (GRCh38, 1-based): chr22:24,525,715, C>T. VCF-style: chr22-24525715-C-T. GRCh37 (hg19) VCF-style: chr22-24921683-C-T.
Other names: short protein forms T359M.
Identifiers: ClinVar variation 285348 (VCV000285348.9), dbSNP rs369879221, ClinGen allele CA10153486.
Genomic context (GRCh38, chr22:24,525,715, plus strand): 5'-GTGATGGGGATTTATAAAACCAGAACCTCTAAAGTACATCTGTGTTTTGCTTTCAGATGA[C>T]GGGCAGGTATGAGATGTACGCACGGGAGCTCGCCGAAGCTGTCAAGTCCAACTACAGCCC-3'
Protein context (NP_057411.1, residues 349-369): QVNDVWNFKM[Thr359Met]GRYEMYAREL